The following is an entry in ClinVar:

NM_005883.3(APC2):c.676C>A (p.Leu226Met)

Genes: APC2 (APC regulator of WNT signaling pathway 2; plus strand), LOC130062955 (ATAC-STARR-seq lymphoblastoid silent region 9717; plus strand). Cytogenetic location: 19p13.3.
Variant type: single nucleotide variant.
Coding change: c.676C>A on transcript NM_005883.3 (MANE Select); coding-DNA position 676, C replaced by A.
Protein change: p.Leu226Met; replaces leucine 226 with methionine.
Molecular consequence: missense variant.
Genome position (GRCh38, 1-based): chr19:1,456,112, C>A. VCF-style: chr19-1456112-C-A. GRCh37 (hg19) VCF-style: chr19-1456111-C-A.
Other names: c.673C>A, p.Leu225Met (NM_001351273.1); short protein forms L225M, L226M.
Identifiers: ClinVar variation 1707081 (VCV001707081.2), dbSNP rs2512474492, ClinGen allele CA403013602.

ClinVar aggregate classification (germline): Uncertain significance (1 of 4 stars; one submission).

gnomAD v4.1: 1 of 1,591,522 alleles (0.000063%); highest among the groups gnomAD compares: Admixed American, 0.0017%; no homozygotes.

Submission:

GeneDx
Classification: Uncertain significance. Last evaluated: 2022-03-20. Review status: criteria provided, single submitter. Criteria: GeneDx Variant Classification Process June 2021. Collection method: clinical testing. Allele origin: germline. Affected: yes.
Comment: Not observed at significant frequency in large population cohorts (gnomAD); In silico analysis supports that this missense variant does not alter protein structure/function; Has not been previously published as pathogenic or benign to our knowledge